The following is an entry in ClinVar:

NM_024577.4(SH3TC2):c.*8756G>T

Gene: SH3TC2 (SH3 domain and tetratricopeptide repeats 2; minus strand). Cytogenetic location: 5q32.
Variant type: single nucleotide variant.
Coding change: c.*8756G>T on transcript NM_024577.4 (MANE Select); 8756 bases downstream of the stop codon, G replaced by T.
Molecular consequence: 3 prime UTR variant.
Genome position (GRCh38, 1-based): chr5:148,995,955, C>A on the plus strand (G>T on the coding strand, the complement: SH3TC2 is on the minus strand). VCF-style: chr5-148995955-C-A. GRCh37 (hg19) VCF-style: chr5-148375518-C-A.
Identifiers: ClinVar variation 351746 (VCV000351746.5), dbSNP rs7733177, ClinGen allele CA10620669.
Genomic context (GRCh38, chr5:148,995,955, plus strand): 5'-GACAAATGAGCACAAGCAAAAGGGAGATGCTAAGGACATGAGGAAAAAGAAAAAAGAGAC[C>A]AACTGGCCGGGTGCCATGGCTCACACCTGTTACCCCAGCACTTTGGAAGGCTGAGGTGGG-3'

ClinVar aggregate classification (germline): Benign. Review status: criteria provided, single submitter (1 of 4 stars). 2 submissions from 1 submitter: Benign (2). Last evaluated 2018-01-12.

Conditions:
Susceptibility to mononeuropathy of the median nerve, mild. Also called: CARPAL TUNNEL SYNDROME, SUSCEPTIBILITY TO. Identifiers: MedGen C3150596, MONDO:0013237, OMIM 613353.
Charcot-Marie-Tooth disease type 4C (CMT4C). Also called: CHARCOT-MARIE-TOOTH DISEASE, DEMYELINATING, AUTOSOMAL RECESSIVE, TYPE 4C; CMT 4C; Charcot-Marie-Tooth Neuropathy Type 4C (CMT4C); CHARCOT-MARIE-TOOTH DISEASE, DEMYELINATING, TYPE 4C; SH3TC2-Related Hereditary Motor and Sensory Neuropathy. Identifiers: Orphanet 99949, MedGen C1866636, MONDO:0011113, OMIM 601596.

Allele frequency attached by ClinVar (database versions not stated): gnomAD 0.08408 and 0.08504; TOPMed 0.10374; 1000 Genomes Project 0.11681; 1000 Genomes Project 30x 0.12008.
gnomAD v4.1: 12,709 of 151,920 alleles (8.4%); highest among the groups gnomAD compares: Admixed American, 18%; 1,048 homozygotes.

Submissions (2):

Illumina Laboratory Services, Illumina
Classification: Benign for Susceptibility to mononeuropathy of the median nerve, mild. Last evaluated: 2018-01-12. Review status: criteria provided, single submitter. Criteria: ICSL Variant Classification Criteria 13 December 2019. Collection method: clinical testing. Allele origin: germline.
Comment: This variant was observed in the ICSL laboratory as part of a predisposition screen in an ostensibly healthy population. It had not been previously curated by ICSL or reported in the Human Gene Mutation Database (HGMD: prior to June 1st, 2018), and was therefore a candidate for classification through an automated scoring system. Utilizing variant allele frequency, disease prevalence and penetrance estimates, and inheritance mode, an automated score was calculated to assess if this variant is too frequent to cause the disease. Based on the score and internal cut-off values, a variant classified as benign is not then subjected to further curation. The score for this variant resulted in a classification of benign for this disease.

Illumina Laboratory Services, Illumina
Classification: Benign for Charcot-Marie-Tooth disease type 4C. Last evaluated: 2018-01-12. Review status: criteria provided, single submitter. Criteria: ICSL Variant Classification Criteria 13 December 2019. Collection method: clinical testing. Allele origin: germline.
Comment: the same text as in the submission from Illumina Laboratory Services, Illumina above.